The following is an entry in ClinVar:

ClinVar aggregate classification (germline): Pathogenic (1 of 4 stars; one submission).

Conditions:
Tuberous sclerosis 2 (TSC2). Identifiers: Orphanet 805, MedGen C1860707, MONDO:0013199, OMIM 613254.

Submission:

Labcorp Genetics (formerly Invitae), Labcorp
Classification: Pathogenic for Tuberous sclerosis 2. Last evaluated: 2019-01-13. Review status: criteria provided, single submitter. Criteria: Invitae Variant Classification Sherloc (09022015). Collection method: clinical testing. Allele origin: germline.
Comment: For these reasons, this variant has been classified as Pathogenic. Loss-of-function variants in TSC2 are known to be pathogenic (PMID: 10205261, 17304050). This variant has not been reported in the literature in individuals with TSC2-related conditions. This variant is not present in population databases (ExAC no frequency). This sequence change creates a premature translational stop signal (p.Ile39Hisfs*28) in the TSC2 gene. It is expected to result in an absent or disrupted protein product.

Literature cited by the submitters: PubMed 10205261; PubMed 17304050.

NM_000548.5(TSC2):c.114_115insC (p.Ile39fs)

Gene: TSC2 (TSC complex subunit 2; plus strand). Cytogenetic location: 16p13.3.
Variant type: Insertion.
Coding change: c.114_115insC on transcript NM_000548.5 (MANE Select); coding-DNA positions 114 to 115, C inserted.
Protein change: p.Ile39fs; shifts the reading frame from isoleucine 39.
Molecular consequence: frameshift variant. On other transcripts: 5 prime UTR variant (1), intron variant (1).
Genome position: GRCh38 VCF-style: chr16-2048729-T-TC. GRCh37 (hg19) VCF-style: chr16-2098730-T-TC.
Other names: c.114_115insC, p.Ile39fs (NM_001077183.3, NM_001114382.3, NM_001318827.2 and 4 more transcripts); c.-113_-112insC (NM_001318831.2); c.147_148insC, p.Ile50fs (NM_001318832.2); c.-10+664_-10+665insC (NM_001318829.2); short protein forms I39fs, I50fs.
Identifiers: ClinVar variation 845907 (VCV000845907.7), dbSNP rs2084683129, ClinGen allele CA916081757.